The following is an entry in ClinVar:

NM_000352.6(ABCC8):c.1333-1013A>G

Gene: ABCC8 (ATP binding cassette subfamily C member 8; minus strand). Cytogenetic location: 11p15.1.
Variant type: single nucleotide variant.
Coding change: c.1333-1013A>G on transcript NM_000352.6 (MANE Select); 1013 bases into the intron before coding-DNA position 1333, A replaced by G.
Molecular consequence: intron variant.
Genome position (GRCh38, 1-based): chr11:17,444,325, T>C on the plus strand (A>G on the coding strand, the complement: ABCC8 is on the minus strand). VCF-style: chr11-17444325-T-C. GRCh37 (hg19) VCF-style: chr11-17465872-T-C.
Other names: IVS8, A-G, -1013; c.1330-1013A>G (NM_001351297.2, NM_001351296.2); c.1333-1013A>G (NM_001351295.2, NM_001287174.3).
Identifiers: ClinVar variation 39472 (VCV000039472.17), dbSNP rs980458021, ClinGen allele CA218446294.

ClinVar aggregate classification (germline): Pathogenic/Likely pathogenic. Review status: criteria provided, multiple submitters, no conflicts (2 of 4 stars). 6 submissions from 6 submitters: Pathogenic (2); Likely pathogenic (3). 1 of the submissions does not count toward it. Last evaluated 2025-10-07.

Conditions:
Hereditary hyperinsulinism.
Type 2 diabetes mellitus. Also called: Type II diabetes mellitus. Identifiers: MedGen C0011860, MeSH D003924, MONDO:0005148, OMIM 125853, HP:0005978.
Diabetes mellitus, transient neonatal, 2 (TNDM2). Identifiers: Orphanet 99886, MedGen C1835887, MONDO:0012480, OMIM 610374. Disease mechanism: loss of function.
Hyperinsulinemic hypoglycemia, familial, 1 (HHF1). Also called: Persistent hyperinsulinemic hypoglycemia of infancy; HYPERINSULINISM, FAMILIAL, WITH PANCREATIC NESIDIOBLASTOSIS; HYPOGLYCEMIA, HYPERINSULINEMIC, OF INFANCY; Persistent Hyperinsulinemia Hypoglycemia of Infancy; NESIDIOBLASTOSIS OF PANCREAS. Identifiers: Orphanet 276575, Orphanet 276598, MedGen C2931832, MONDO:0009734, OMIM 256450.
Leucine-induced hypoglycemia (LIH). Also called: LEUCINE-SENSITIVE HYPOGLYCEMIA OF INFANCY. Identifiers: MedGen C0271714, MONDO:0009415, OMIM 240800.
Diabetes mellitus, permanent neonatal 3. Also called: ABCC8-Related Permanent Neonatal Diabetes Mellitus. Identifiers: MedGen C5394303, MONDO:0030088, OMIM 618857.

Submissions (6):

Natera, Inc.
Classification: Likely pathogenic for Hereditary hyperinsulinism. Last evaluated: 2025-10-07. Review status: criteria provided, single submitter. Criteria: Natera Variant Classification Schema (03/2026). Collection method: clinical testing. Allele origin: germline.
Comment: The c.1333-1013A>G variant in ABCC8 is an intronic variant located outside the canonical splice sites. This variant is rare in the general population with a frequency below the threshold expected for the associated phenotype(s). This variant has been observed in one or more individuals affected with the associated recessive disease, as either homozygous or compound heterozygous with a second variant (PMID: 23273570). This variant has been observed in affected individual(s) with monoallelic occurrence (heterozygous/hemizygous) (PMID: 36239000, 25201519, 32928245). Functional studies show that this variant may disrupt protein function (PMID: 23273570). Given the available evidence, this variant is classified as Likely Pathogenic.

Fulgent Genetics
Classification: Likely pathogenic for Type 2 diabetes mellitus; Leucine-induced hypoglycemia; Hyperinsulinemic hypoglycemia, familial, 1; Diabetes mellitus, transient neonatal, 2; Diabetes mellitus, permanent neonatal 3. Last evaluated: 2024-06-19. Review status: criteria provided, single submitter. Criteria: ACMG Guidelines, 2015. Collection method: clinical testing. Allele origin: germline.

Baylor Genetics
Classification: Pathogenic for Type 2 diabetes mellitus. Last evaluated: 2024-03-10. Review status: criteria provided, single submitter. Criteria: ACMG Guidelines, 2015. Collection method: clinical testing. Allele origin: unknown.

Labcorp Genetics (formerly Invitae), Labcorp
Classification: Pathogenic. Last evaluated: 2024-03-10. Review status: criteria provided, single submitter. Criteria: Invitae Variant Classification Sherloc (09022015). Collection method: clinical testing. Allele origin: germline.
Comment: This sequence change falls in intron 8 of the ABCC8 gene. It does not directly change the encoded amino acid sequence of the ABCC8 protein. RNA analysis indicates that this variant induces altered splicing and may result in an absent or disrupted protein product. This variant is not present in population databases (gnomAD no frequency). This variant has been observed in individuals with autosomal recessive diffuse or focal hyperinsulinism (PMID: 23273570). ClinVar contains an entry for this variant (Variation ID: 39472). Studies have shown that this variant results in inclusion of 76 nucleotides from intron 8 and introduces a premature termination codon (PMID: 23273570). The resulting mRNA is expected to undergo nonsense-mediated decay. For these reasons, this variant has been classified as Pathogenic.

Myriad Genetics, Inc.
Classification: Likely pathogenic for Hyperinsulinemic hypoglycemia, familial, 1. Last evaluated: 2021-11-08. Review status: criteria provided, single submitter. Criteria: Myriad Women's Health Autosomal Recessive and X-Linked Classification Criteria (2021). Collection method: clinical testing. Allele origin: unknown.
Comment: NM_000352.3(ABCC8):c.1333-1013A>G is an intronic variant classified as likely pathogenic in the context of familial hyperinsulinism, ABCC8-related. c.1333-1013A>G has been observed in cases with relevant disease (PMID: 23273570, 32928245). Functional assessments of this variant are available in the literature (PMID: 23273570). c.1333-1013A>G has not been observed in population frequency databases. In summary, NM_000352.3(ABCC8):c.1333-1013A>G is an intronic variant that has functional support for pathogenicity and has been observed more frequently in cases with the relevant disease than in healthy populations. Please note: this variant was assessed in the context of healthy population screening.

OMIM
Classification: Pathogenic for HYPERINSULINEMIC HYPOGLYCEMIA, FAMILIAL, 1. Last evaluated: 2013-01-10. Review status: no assertion criteria provided. Collection method: literature only. Allele origin: germline. Not counted in ClinVar's aggregate classification.

Literature cited by the submitters: PubMed 23273570 (cited by 4 submitters); PubMed 36239000 (cited by Natera, Inc.); PubMed 25201519 (cited by Natera, Inc.); PubMed 32928245 (cited by Natera, Inc. and Myriad Genetics, Inc.).